The following is an entry in ClinVar:

ClinVar aggregate classification (germline): Pathogenic. Review status: reviewed by expert panel (3 of 4 stars). 4 submissions from 4 submitters: Pathogenic (1). 3 of the submissions do not count toward it. Last evaluated 2025-12-29.

Conditions:
Autosomal recessive limb-girdle muscular dystrophy. Identifiers: Orphanet 102015, MedGen C2931907, MONDO:0015152.
Neuromuscular disease caused by qualitative or quantitative defects of dysferlin. Also called: Dysferlinopathy; Qualitative or quantitative defects of dysferlin. Identifiers: Orphanet 207073, MedGen C2931687, MONDO:0016145.
Miyoshi muscular dystrophy 1 (MMD1). Identifiers: Orphanet 45448, MedGen C4551973, MONDO:0024545, OMIM 254130.

Submissions (4):

ClinGen Limb Girdle Muscular Dystrophy Variant Curation Expert Panel, ClinGen
Classification: Pathogenic for Autosomal recessive limb-girdle muscular dystrophy. Last evaluated: 2025-12-29. Review status: reviewed by expert panel. Criteria: ClinGen LGMD VCEP ACMG Specifications DYSF V2.0.0. Collection method: curation. Allele origin: germline. Inheritance: Autosomal recessive inheritance.
Comment: The NM_003494.4: c.1813C>T p.(Gln605Ter) variant in DYSF, which is also known as NM_001130987.2: c.1867C>T (p.Gln623Ter), is a stop-gained variant expected to introduce a premature stop codon in exon 20/55, leading to nonsense mediated decay in a gene in which loss of function is a known disease mechanism (PVS1). This variant has been reported in at least three patients with features consistent with LGMD or dysferlinopathy (PMID: 9731526, 17129727, 17828519, 33715265), including in a homozygous state without reported familial consanguinity (0.5 pts, PMID: 9731526) (PM3_Supporting). At least one patient with this variant and a second presumed diagnostic DYSF variant exhibited both progressive limb girdle muscle weakness and absent or significantly reduced dysferlin protein expression in skeletal muscle or blood monocytes, which is highly specific for DYSF-related LGMD (PMID: 33715265; PP4_Strong). This variant is absent from gnomAD v4.1.0 (PM2_Supporting). In summary, this variant meets the criteria to be classified as Pathogenic for autosomal recessive limb girdle muscular dystrophy based on the ACMG/AMP criteria applied, as specified by the ClinGen LGMD VCEP (LGMD VCEP specifications version 2.0.0; 12/29/2025): PVS1, PM3_Supporting, PP4_Strong, PM2_Supporting.

Labcorp Genetics (formerly Invitae), Labcorp
Classification: Pathogenic for Neuromuscular disease caused by qualitative or quantitative defects of dysferlin. Last evaluated: 2023-02-05. Review status: criteria provided, single submitter. Criteria: Invitae Variant Classification Sherloc (09022015). Collection method: clinical testing. Allele origin: germline. Not counted in ClinVar's aggregate classification.
Comment: For these reasons, this variant has been classified as Pathogenic. ClinVar contains an entry for this variant (Variation ID: 6665). This premature translational stop signal has been observed in individual(s) with clinical features of DYSF-related conditions (PMID: 9731526, 33715265). This variant is not present in population databases (gnomAD no frequency). This sequence change creates a premature translational stop signal (p.Gln605*) in the DYSF gene. It is expected to result in an absent or disrupted protein product. Loss-of-function variants in DYSF are known to be pathogenic (PMID: 17698709, 20301480).

Eurofins Ntd Llc (ga)
Classification: Pathogenic. Last evaluated: 2015-08-17. Review status: criteria provided, single submitter. Criteria: EGL Classification Definitions 2015. Collection method: clinical testing. Allele origin: germline. Observed: 1 variant allele, 1 heterozygote. Not counted in ClinVar's aggregate classification.

OMIM
Classification: Pathogenic for MIYOSHI MUSCULAR DYSTROPHY 1. Last evaluated: 1998-09-01. Review status: no assertion criteria provided. Collection method: literature only. Allele origin: germline. Not counted in ClinVar's aggregate classification.

Literature cited by the submitters: PubMed 9731526 (cited by 3 submitters); PubMed 33715265 (cited by Labcorp Genetics (formerly Invitae), Labcorp); PubMed 17698709 (cited by Labcorp Genetics (formerly Invitae), Labcorp); PubMed 20301480 (cited by Labcorp Genetics (formerly Invitae), Labcorp).

NM_001130987.2(DYSF):c.1867C>T (p.Gln623Ter)

Gene: DYSF (dysferlin; plus strand). Cytogenetic location: 2p13.2.
Variant type: single nucleotide variant.
Coding change: c.1867C>T on transcript NM_001130987.2 (MANE Select); coding-DNA position 1867, C replaced by T.
Protein change: p.Gln623Ter; replaces glutamine 623 with a stop codon.
Molecular consequence: nonsense.
Genome position (GRCh38, 1-based): chr2:71,553,071, C>T. VCF-style: chr2-71553071-C-T. GRCh37 (hg19) VCF-style: chr2-71780201-C-T.
Other names: NM_001130987.2(DYSF):c.1867C>T; p.Gln623Ter; c.1816C>T, p.Gln606Ter (NM_001130455.2, NM_001130983.2); c.1771C>T, p.Gln591Ter (NM_001130976.2, NM_001130977.2); c.1813C>T, p.Gln605Ter (NM_001130978.2, NM_003494.4); c.1906C>T, p.Gln636Ter (NM_001130979.2); c.1864C>T, p.Gln622Ter (NM_001130980.2, NM_001130981.2); c.1909C>T, p.Gln637Ter (NM_001130982.2); and 2 more; short protein forms Q605*, Q623*, Q636*, Q606*, Q591*, Q592*, Q622*, Q637*.
Identifiers: ClinVar variation 6665 (VCV000006665.9), dbSNP rs121908953, ClinGen allele CA253901.